The following is an entry in ClinVar:

NM_001267550.2(TTN):c.19004A>G (p.Asp6335Gly)

Gene: TTN (titin; minus strand). Cytogenetic location: 2q31.2.
Variant type: single nucleotide variant.
Coding change: c.19004A>G on transcript NM_001267550.2 (MANE Select); coding-DNA position 19004, A replaced by G.
Protein change: p.Asp6335Gly; replaces aspartic acid 6335 with glycine.
Molecular consequence: missense variant. On other transcripts: intron variant (3).
Genome position (GRCh38, 1-based): chr2:178,729,034, T>C on the plus strand (A>G on the coding strand, the complement: TTN is on the minus strand). VCF-style: chr2-178729034-T-C. GRCh37 (hg19) VCF-style: chr2-179593761-T-C.
Other names: p.D6018G:GAT>GGT; c.13282+9048A>G (NM_003319.4); c.13858+9048A>G (NM_133437.4); c.13657+9048A>G (NM_133432.3); c.19004A>G (NM_001267550.1); c.18053A>G, p.Asp6018Gly (NM_001256850.1); c.15272A>G, p.Asp5091Gly (NM_133378.4); short protein forms D6335G, D5091G, D6018G.
Identifiers: ClinVar variation 46651 (VCV000046651.37), dbSNP rs72648951, ClinGen allele CA282738.
Genomic context (GRCh38, chr2:178,729,034, plus strand): 5'-TCCACACTTCTGATTTGAAGTGTGGCCACACTGTCCACAAATGAAATATAGACATTATCA[T>C]CTTCATCAAGAATCTGATCATCCTTTAGCCAGGTTATAGAAATAGGAGGAGAACCTGCCA-3'
Protein context (NP_001254479.2, residues 6325-6345): WLKDDQILDE[Asp6335Gly]DNVYISFVDS

ClinVar aggregate classification (germline): Benign/Likely benign. Review status: criteria provided, multiple submitters, no conflicts (2 of 4 stars). 24 submissions from 17 submitters: Benign (18); Likely benign (3). 3 of the submissions do not count toward it. Last evaluated 2026-02-04.

Conditions:
Dilated cardiomyopathy 1G (CMD1G). Identifiers: Orphanet 154, MedGen C1858763, MONDO:0011400, OMIM 604145.
Autosomal recessive limb-girdle muscular dystrophy type 2J (LGMDR10). Also called: Limb-girdle muscular dystrophy, type 2J; MUSCULAR DYSTROPHY, LIMB-GIRDLE, AUTOSOMAL RECESSIVE 10. Identifiers: Orphanet 140922, MedGen C1837342, MONDO:0012127, OMIM 608807.
Cardiomyopathy (CMYO). Also called: Cardiomyopathies. Identifiers: Orphanet 167848, MedGen C0878544, MONDO:0004994, HP:0001638. Inheritance: Various modes of inheritance.
Early-onset myopathy with fatal cardiomyopathy (CMYO5). Also called: CONGENITAL MYOPATHY 5 WITH CARDIOMYOPATHY; Salih Myopathy. Identifiers: Orphanet 289377, MedGen C2673677, MONDO:0012714, OMIM 611705. Disease mechanism: loss of function.
Myopathy, myofibrillar, 9, with early respiratory failure (MFM9). Also called: MYOPATHY, PROXIMAL, WITH EARLY RESPIRATORY MUSCLE INVOLVEMENT; Myopathy, distal, with early respiratory failure, autosomal dominant; Hereditary myopathy with early respiratory failure; EDSTROM MYOPATHY. Identifiers: Orphanet 178464, Orphanet 34521, MedGen C1863599, MONDO:0011362, OMIM 603689.
Tibial muscular dystrophy (TMD). Also called: Tibial muscular dystrophy, tardive; UDD MYOPATHY; Udd Distal Myopathy – Tibial Muscular Dystrophy. Identifiers: Orphanet 609, MedGen C1838244, MONDO:0010870, OMIM 600334.

Allele frequency attached by ClinVar (database versions not stated): gnomAD exomes 0.00228; ExAC 0.00296; ESP Exome Variant Server 0.00874; 1000 Genomes Project 30x 0.00906; 1000 Genomes Project 0.00919; gnomAD 0.00940 and 0.01012; TOPMed 0.01059.
gnomAD v4.1: 2,685 of 1,612,910 alleles (0.17%); highest among the groups gnomAD compares: African/African-American, 3.1%; 42 homozygotes.

Submissions (24):

Labcorp Genetics (formerly Invitae), Labcorp
Classification: Benign for Dilated cardiomyopathy 1G; Autosomal recessive limb-girdle muscular dystrophy type 2J. Last evaluated: 2026-02-04. Review status: criteria provided, single submitter. Criteria: Invitae Variant Classification Sherloc (09022015). Collection method: clinical testing. Allele origin: germline.

ARUP Laboratories, Molecular Genetics and Genomics, ARUP Laboratories
Classification: Benign. Last evaluated: 2025-07-01. Review status: criteria provided, single submitter. Criteria: ARUP Molecular Germline Variant Investigation Process 2024. Collection method: clinical testing. Allele origin: germline.

Molecular Diagnostic Laboratory for Inherited Cardiovascular Disease, Montreal Heart Institute
Classification: Benign. Last evaluated: 2025-04-09. Review status: criteria provided, single submitter. Criteria: ACMG Guidelines, 2015. Collection method: clinical testing. Allele origin: germline. Affected: no.

Athena Diagnostics
Classification: Benign. Last evaluated: 2025-02-21. Review status: criteria provided, single submitter. Criteria: Athena Diagnostics Criteria. Collection method: clinical testing. Allele origin: unknown.
Comment: The frequency of this variant in the general population is higher than would generally be expected for pathogenic variants in this gene.

Mayo Clinic Laboratories, Mayo Clinic
Classification: Benign. Last evaluated: 2021-10-27. Review status: criteria provided, single submitter. Criteria: ACMG Guidelines, 2015. Collection method: clinical testing. Allele origin: germline. Observed: 13 variant alleles.
Comment: BS1, BS2, BP4

Genome-Nilou Lab
Classification: Benign for Autosomal recessive limb-girdle muscular dystrophy type 2J. Last evaluated: 2021-09-10. Review status: criteria provided, single submitter. Criteria: ACMG Guidelines, 2015. Collection method: clinical testing. Allele origin: germline. Affected: no.

Genome-Nilou Lab
Classification: Benign for Myopathy, myofibrillar, 9, with early respiratory failure. Last evaluated: 2021-09-10. Review status: criteria provided, single submitter. Criteria: ACMG Guidelines, 2015. Collection method: clinical testing. Allele origin: germline. Affected: no.

Genome-Nilou Lab
Classification: Benign for Early-onset myopathy with fatal cardiomyopathy. Last evaluated: 2021-09-10. Review status: criteria provided, single submitter. Criteria: ACMG Guidelines, 2015. Collection method: clinical testing. Allele origin: germline. Affected: no.

Genome-Nilou Lab
Classification: Benign for Tibial muscular dystrophy. Last evaluated: 2021-09-10. Review status: criteria provided, single submitter. Criteria: ACMG Guidelines, 2015. Collection method: clinical testing. Allele origin: germline. Affected: no.

Women's Health and Genetics/Laboratory Corporation of America, LabCorp
Classification: Benign. Last evaluated: 2019-11-06. Review status: criteria provided, single submitter. Criteria: LabCorp Variant Classification Summary - May 2015. Collection method: clinical testing. Allele origin: germline.
Comment: Variant summary: TTN c.15272A>G (p.Asp5091Gly) results in a non-conservative amino acid change located in the I-band region of the encoded protein sequence. Three of five in-silico tools predict a benign effect of the variant on protein function. The variant allele was found at a frequency of 0.0023 in 246512 control chromosomes, predominantly at a frequency of 0.033 within the African or African-American subpopulation in the gnomAD database (exome dataset), including 12 homozygotes. The observed variant frequency within African or African-American control individuals in the gnomAD database is approximately 50-fold the estimated maximal expected allele frequency for a pathogenic variant in TTN causing Cardiomyopathy phenotype (0.00063), strongly suggesting that the variant is a benign polymorphism found primarily in populations of African or African-American origin. To our knowledge, no occurrence of c.15272A>G in individuals affected with Cardiomyopathy and no experimental evidence demonstrating an impact on protein function have been reported. Co-occurrence with another pathogenic variant has been reported (TTR c.424G>A, p.Val142Ile; internal sample), providing supporting evidence for a benign role. Three clinical diagnostic laboratories have submitted clinical-significance assessments for this variant to ClinVar after 2014 without evidence for independent evaluation. All laboratories classified the variant as benign/likely benign. Based on the evidence outlined above, the variant was classified as benign.

Illumina Laboratory Services, Illumina
Classification: Likely benign for Autosomal recessive limb-girdle muscular dystrophy type 2J. Last evaluated: 2018-01-13. Review status: criteria provided, single submitter. Criteria: ICSL Variant Classification Criteria 13 December 2019. Collection method: clinical testing. Allele origin: germline.
Comment: This variant was observed in the ICSL laboratory as part of a predisposition screen in an ostensibly healthy population. It had not been previously curated by ICSL or reported in the Human Gene Mutation Database (HGMD: prior to June 1st, 2018), and was therefore a candidate for classification through an automated scoring system. Utilizing variant allele frequency, disease prevalence and penetrance estimates, and inheritance mode, an automated score was calculated to assess if this variant is too frequent to cause the disease. Based on the score and internal cut-off values, a variant classified as likely benign is not then subjected to further curation. The score for this variant resulted in a classification of likely benign for this disease.

Illumina Laboratory Services, Illumina
Classification: Likely benign for Dilated cardiomyopathy 1G. Last evaluated: 2018-01-13. Review status: criteria provided, single submitter. Criteria: ICSL Variant Classification Criteria 13 December 2019. Collection method: clinical testing. Allele origin: germline.
Comment: the same text as in the submission from Illumina Laboratory Services, Illumina above.

Illumina Laboratory Services, Illumina
Classification: Benign for Early-onset myopathy with fatal cardiomyopathy. Last evaluated: 2018-01-13. Review status: criteria provided, single submitter. Criteria: ICSL Variant Classification Criteria 13 December 2019. Collection method: clinical testing. Allele origin: germline.
Comment: This variant was observed in the ICSL laboratory as part of a predisposition screen in an ostensibly healthy population. It had not been previously curated by ICSL or reported in the Human Gene Mutation Database (HGMD: prior to June 1st, 2018), and was therefore a candidate for classification through an automated scoring system. Utilizing variant allele frequency, disease prevalence and penetrance estimates, and inheritance mode, an automated score was calculated to assess if this variant is too frequent to cause the disease. Based on the score and internal cut-off values, a variant classified as benign is not then subjected to further curation. The score for this variant resulted in a classification of benign for this disease.

Illumina Laboratory Services, Illumina
Classification: Benign for Tibial muscular dystrophy. Last evaluated: 2018-01-13. Review status: criteria provided, single submitter. Criteria: ICSL Variant Classification Criteria 13 December 2019. Collection method: clinical testing. Allele origin: germline.
Comment: the same text as in the submission from Illumina Laboratory Services, Illumina above.

Illumina Laboratory Services, Illumina
Classification: Benign for Myopathy, myofibrillar, 9, with early respiratory failure. Last evaluated: 2018-01-13. Review status: criteria provided, single submitter. Criteria: ICSL Variant Classification Criteria 13 December 2019. Collection method: clinical testing. Allele origin: germline.
Comment: the same text as in the submission from Illumina Laboratory Services, Illumina above.

CHEO Genetics Diagnostic Laboratory, Children's Hospital of Eastern Ontario
Classification: Benign for Cardiomyopathy. Last evaluated: 2016-11-09. Review status: criteria provided, single submitter. Criteria: ACMG Guidelines, 2015. Collection method: clinical testing. Allele origin: germline. Study: Canadian Open Genetics Repository.

GeneDx
Classification: Benign. Last evaluated: 2014-04-07. Review status: criteria provided, single submitter. Criteria: GeneDx Variant Classification (06012015). Collection method: clinical testing. Allele origin: germline. Affected: yes.
Comment: This variant is considered likely benign or benign based on one or more of the following criteria: it is a conservative change, it occurs at a poorly conserved position in the protein, it is predicted to be benign by multiple in silico algorithms, and/or has population frequency not consistent with disease.

Genetic Services Laboratory, University of Chicago
Classification: Benign for AllHighlyPenetrant. Last evaluated: 2013-08-26. Review status: criteria provided, single submitter. Criteria: ACMG Guidelines, 2007. Collection method: clinical testing. Allele origin: germline.

Biesecker Lab/Clinical Genomics Section, National Institutes of Health
Classification: Benign. Last evaluated: 2013-06-24. Review status: criteria provided, single submitter. Criteria: Ng et al. (Circ Cardiovasc Genet. 2013). Collection method: research. Allele origin: unknown. Observed: 2 variant alleles. Study: ClinSeq.
Comment: The study set was not selected for affection status in relation to any cancer. Pathogenicity categories were based on literature curation. See Pubmed ID:23861362 for details.

Medical sequencing

Laboratory for Molecular Medicine, Mass General Brigham Personalized Medicine
Classification: Benign. Last evaluated: 2013-03-06. Review status: criteria provided, single submitter. Criteria: LMM Criteria. Collection method: clinical testing. Allele origin: germline. Observed: 18 variant alleles.
Comment: Asp5091Gly in exon 62 of TTN: This variant is not expected to have clinical sign ificance because it has been identified in 2.8% (104/3716) of African American c hromosomes from a broad population by the NHLBI Exome Sequencing Project (dbSNP rs72648951).

Breakthrough Genomics
Classification: Likely benign. Review status: criteria provided, single submitter. Criteria: ACMG Guidelines, 2015. Collection method: not provided. Allele origin: germline. Inheritance: Autosomal recessive inheritance. Affected: yes.

Clinical Genetics DNA and cytogenetics Diagnostics Lab, Erasmus MC, Erasmus Medical Center
Classification: Benign. Review status: no assertion criteria provided. Collection method: clinical testing. Allele origin: germline. Affected: yes. Study: VKGL Data-share Consensus. Not counted in ClinVar's aggregate classification.

Clinical Genetics, Academic Medical Center
Classification: Benign. Review status: no assertion criteria provided. Collection method: clinical testing. Allele origin: germline. Affected: yes. Study: VKGL Data-share Consensus. Not counted in ClinVar's aggregate classification.

Laboratory of Diagnostic Genome Analysis, Leiden University Medical Center (LUMC)
Classification: Likely benign. Review status: no assertion criteria provided. Collection method: clinical testing. Allele origin: germline. Affected: yes. Study: VKGL Data-share Consensus. Not counted in ClinVar's aggregate classification.

Literature cited by the submitters: PubMed 23861362 (cited by Athena Diagnostics).